The following is an entry in ClinVar:

ClinVar aggregate classification (germline): Pathogenic (1 of 4 stars; one submission).

Submission:

Labcorp Genetics (formerly Invitae), Labcorp
Classification: Pathogenic. Last evaluated: 2024-02-19. Review status: criteria provided, single submitter. Criteria: Invitae Variant Classification Sherloc (09022015). Collection method: clinical testing. Allele origin: germline.
Comment: This sequence change creates a premature translational stop signal (p.Gln1533Argfs*36) in the ITGB4 gene. It is expected to result in an absent or disrupted protein product. Loss-of-function variants in ITGB4 are known to be pathogenic (PMID: 11328943, 16473856). This variant is present in population databases (no rsID available, gnomAD 0.0009%). This variant has not been reported in the literature in individuals affected with ITGB4-related conditions. For these reasons, this variant has been classified as Pathogenic.

Literature cited by the submitters: PubMed 11328943; PubMed 16473856.

NM_000213.5(ITGB4):c.4807del (p.Gln1603fs)

Genes: GALK1 (galactokinase 1; minus strand), ITGB4 (integrin subunit beta 4; plus strand). Cytogenetic location: 17q25.1.
Variant type: Deletion.
Coding change: c.4807del on transcript NM_000213.5 (MANE Select); coding-DNA position 4807, one base deleted (C; older notation c.4807delC).
Protein change: p.Gln1603fs; shifts the reading frame from glutamine 1603.
Molecular consequence: frameshift variant. On other transcripts: intron variant (1).
Genome position (GRCh38, 1-based): chr17:75,756,527, C deleted; the last of 3 consecutive C bases (chr17:75,756,525-75,756,527); deleting any one gives the same sequence. VCF-style (leftmost placement, unchanged base first): chr17-75756524-GC-G. GRCh37 (hg19) VCF-style: chr17-73752605-GC-G.
Other names: c.4756del, p.Gln1586fs (NM_001005619.2); c.4597del, p.Gln1533fs (NM_001005731.3, NM_001321123.2); c.4447del, p.Gln1483fs (NM_001438834.1); c.*22+1509del (NM_001381985.1); short protein forms Q1586fs, Q1603fs, Q1533fs, Q1483fs.
Identifiers: ClinVar variation 2854088 (VCV002854088.3), dbSNP rs1304588947, ClinGen allele CA627595851.